The following is an entry in ClinVar:

ClinVar aggregate classification (germline): Pathogenic (1 of 4 stars; one submission).

Submission:

Labcorp Genetics (formerly Invitae), Labcorp
Classification: Pathogenic. Last evaluated: 2023-07-19. Review status: criteria provided, single submitter. Criteria: Invitae Variant Classification Sherloc (09022015). Collection method: clinical testing. Allele origin: unknown.
Comment: A gross deletion of the genomic region encompassing the full coding sequence of the LRAT gene has been identified. Loss-of-function variants in LRAT are known to be pathogenic (PMID: 22559933, 24265693). The boundaries of this event are unknown as they extend beyond the assayed region for this gene and therefore may encompass additional genes. This variant has not been reported in the literature in individuals affected with LRAT-related conditions. For these reasons, this variant has been classified as Pathogenic.

Literature cited by the submitters: PubMed 22559933; PubMed 24265693.

NC_000004.11:g.(?_155665479)_(155670288_?)del

Gene: LRAT (lecithin retinol acyltransferase; plus strand). Cytogenetic location: 4q32.1.
Variant type: Deletion.
Identifiers: ClinVar variation 3246733 (VCV003246733.1).